The following is an entry in ClinVar:

ClinVar aggregate classification (germline): Likely pathogenic (1 of 4 stars; one submission).

Submission:

Labcorp Genetics (formerly Invitae), Labcorp
Classification: Likely pathogenic. Last evaluated: 2023-03-09. Review status: criteria provided, single submitter. Criteria: Invitae Variant Classification Sherloc (09022015). Collection method: clinical testing. Allele origin: germline.
Comment: This sequence change replaces proline, which is neutral and non-polar, with threonine, which is neutral and polar, at codon 1532 of the SETBP1 protein (p.Pro1532Thr). This variant is not present in population databases (gnomAD no frequency). This missense change has been observed in individual(s) with clinical features of SETBP1-related conditions (Invitae). In at least one individual the variant was observed to be de novo. ClinVar contains an entry for this variant (Variation ID: 2135439). An algorithm developed to predict the effect of missense changes on protein structure and function (PolyPhen-2) suggests that this variant is likely to be tolerated. In summary, the currently available evidence indicates that the variant is pathogenic, but additional data are needed to prove that conclusively. Therefore, this variant has been classified as Likely Pathogenic.

NM_015559.3(SETBP1):c.4594C>A (p.Pro1532Thr)

Gene: SETBP1 (SET binding protein 1; plus strand). Cytogenetic location: 18q12.3.
Variant type: single nucleotide variant.
Coding change: c.4594C>A on transcript NM_015559.3 (MANE Select); coding-DNA position 4594, C replaced by A.
Protein change: p.Pro1532Thr; replaces proline 1532 with threonine.
Molecular consequence: missense variant.
Genome position (GRCh38, 1-based): chr18:45,063,501, C>A. VCF-style: chr18-45063501-C-A. GRCh37 (hg19) VCF-style: chr18-42643466-C-A.
Other names: c.4594C>A, p.Pro1532Thr (NM_001379141.1, NM_001379142.1); c.4423C>A, p.Pro1475Thr (NM_001410862.1); short protein forms P1475T, P1532T.
Identifiers: ClinVar variation 2135439 (VCV002135439.4), dbSNP rs2073923152, ClinGen allele CA402483747.
Genomic context (GRCh38, chr18:45,063,501, plus strand): 5'-GTCATCCACATGGCCCGGGAGGCGCCGCCCCTGCCCCCGCCACCGCCGCCGCCCCTGCCG[C>A]CACCGCCGCCACCACCCCTGCCCCCGCCACCCCCTCTACCCAAGACCCCCCGAGGCGGAA-3'
Protein context (NP_056374.2, residues 1522-1542): LPPPPPPPLP[Pro1532Thr]PPPPPLPPPP